The following is an entry in ClinVar:

NM_004329.3(BMPR1A):c.447C>T (p.Gly149=)

Gene: BMPR1A (bone morphogenetic protein receptor type 1A; plus strand). Cytogenetic location: 10q23.2.
Variant type: single nucleotide variant.
Coding change: c.447C>T on transcript NM_004329.3 (MANE Select); coding-DNA position 447, C replaced by T.
Protein change: p.Gly149=; no amino-acid change (glycine 149 retained).
Molecular consequence: synonymous variant.
Genome position (GRCh38, 1-based): chr10:86,900,043, C>T. VCF-style: chr10-86900043-C-T. GRCh37 (hg19) VCF-style: chr10-88659800-C-T.
Identifiers: ClinVar variation 647523 (VCV000647523.15), dbSNP rs1589768207, ClinGen allele CA470307001.

ClinVar aggregate classification (germline): Benign/Likely benign. Review status: criteria provided, multiple submitters, no conflicts (2 of 4 stars). 5 submissions from 5 submitters: Benign (1); Likely benign (4). Last evaluated 2024-12-23.

Conditions:
Juvenile polyposis syndrome (JPS). Identifiers: Orphanet 2929, MedGen C0345893, MONDO:0017380, OMIM 174900.
Hereditary cancer-predisposing syndrome. Also called: Hereditary Cancer Syndrome; Tumor predisposition; Neoplastic Syndromes, Hereditary; Hereditary neoplastic syndrome. Identifiers: Orphanet 140162, MedGen C0027672, MeSH D009386, MONDO:0015356.

Allele frequency attached by ClinVar (database versions not stated): TOPMed below 0.00001.

Submissions (5):

Labcorp Genetics (formerly Invitae), Labcorp
Classification: Likely benign for Juvenile polyposis syndrome. Last evaluated: 2024-12-23. Review status: criteria provided, single submitter. Criteria: Invitae Variant Classification Sherloc (09022015). Collection method: clinical testing. Allele origin: germline.

Women's Health and Genetics/Laboratory Corporation of America, LabCorp
Classification: Likely benign. Last evaluated: 2024-10-10. Review status: criteria provided, single submitter. Criteria: LabCorp Variant Classification Summary - May 2015. Collection method: clinical testing. Allele origin: germline.

Myriad Genetics, Inc.
Classification: Benign for Juvenile polyposis syndrome. Last evaluated: 2024-08-01. Review status: criteria provided, single submitter. Criteria: Myriad Autosomal Dominant, Autosomal Recessive and X-Linked Classification Criteria (2023). Collection method: clinical testing. Allele origin: unknown.
Comment: This variant is considered benign. This variant is a silent/synonymous amino acid change and it is not expected to impact splicing.

Color Diagnostics, LLC DBA Color Health
Classification: Likely benign for Hereditary cancer-predisposing syndrome. Last evaluated: 2023-03-06. Review status: criteria provided, single submitter. Criteria: ACMG Guidelines, 2015. Collection method: clinical testing. Allele origin: germline.

Ambry Genetics
Classification: Likely benign for Hereditary cancer-predisposing syndrome. Last evaluated: 2021-02-16. Review status: criteria provided, single submitter. Criteria: Ambry Variant Classification Scheme 2023. Collection method: clinical testing. Allele origin: germline.